The following is an entry in ClinVar:

ClinVar aggregate classification (germline): Uncertain significance (1 of 4 stars; one submission).

Conditions:
Facioscapulohumeral muscular dystrophy 2 (FSHD2). Also called: MUSCULAR DYSTROPHY, FACIOSCAPULOHUMERAL, TYPE 1B; FACIOSCAPULOHUMERAL MUSCULAR DYSTROPHY 2, DIGENIC; FSHD2, DIGENIC. Identifiers: Orphanet 269, MedGen C1834671, MONDO:0008031, OMIM 158901.

gnomAD v4.1: 1 of 1,589,390 alleles (0.000063%); highest among the groups gnomAD compares: Admixed American, 0.0017%; no homozygotes.

Submission:

Labcorp Genetics (formerly Invitae), Labcorp
Classification: Uncertain significance for Facioscapulohumeral muscular dystrophy 2. Last evaluated: 2024-10-17. Review status: criteria provided, single submitter. Criteria: Invitae Variant Classification Sherloc (09022015). Collection method: clinical testing. Allele origin: germline.
Comment: This sequence change replaces isoleucine, which is neutral and non-polar, with leucine, which is neutral and non-polar, at codon 149 of the SMCHD1 protein (p.Ile149Leu). This variant is not present in population databases (gnomAD no frequency). This variant has not been reported in the literature in individuals affected with SMCHD1-related conditions. ClinVar contains an entry for this variant (Variation ID: 1368777). Invitae Evidence Modeling of protein sequence and biophysical properties (such as structural, functional, and spatial information, amino acid conservation, physicochemical variation, residue mobility, and thermodynamic stability) has been performed for this missense variant. However, the output from this modeling did not meet the statistical confidence thresholds required to predict the impact of this variant on SMCHD1 protein function. In summary, the available evidence is currently insufficient to determine the role of this variant in disease. Therefore, it has been classified as a Variant of Uncertain Significance.

NM_015295.3(SMCHD1):c.445A>C (p.Ile149Leu)

Gene: SMCHD1 (structural maintenance of chromosomes flexible hinge domain containing 1; plus strand). Cytogenetic location: 18p11.32.
Variant type: single nucleotide variant.
Coding change: c.445A>C on transcript NM_015295.3 (MANE Select); coding-DNA position 445, A replaced by C.
Protein change: p.Ile149Leu; replaces isoleucine 149 with leucine.
Molecular consequence: missense variant.
Genome position (GRCh38, 1-based): chr18:2,673,301, A>C. VCF-style: chr18-2673301-A-C. GRCh37 (hg19) VCF-style: chr18-2673300-A-C.
Other names: short protein forms I149L.
Identifiers: ClinVar variation 1368777 (VCV001368777.6), dbSNP rs2143841667, ClinGen allele CA401689244.
Genomic context (GRCh38, chr18:2,673,301, plus strand): 5'-GGAGGGAAAAGTTAAGCAATGTTTTCTTGATCTCTTGCAGCATTTGCTCTTGCGGAATTA[A>C]TTGACAATTCATTGTCTGCTACTTCTCGTAACATTGGGGTTAGAAGAATACAGATCAAAT-3'
Protein context (NP_056110.2, residues 139-159): NPLPFALAEL[Ile149Leu]DNSLSATSRN